The following is an entry in ClinVar:

ClinVar aggregate classification (germline): Benign. Review status: criteria provided, multiple submitters, no conflicts (2 of 4 stars). 3 submissions from 3 submitters: Benign (2). 1 of the submissions does not count toward it. Last evaluated 2019-08-22.

Conditions:
DNMBP-related disorder. Also called: DNMBP-related condition.

Allele frequency attached by ClinVar (database versions not stated): gnomAD exomes 0.04139 and 0.04398; TOPMed 0.05482; ExAC 0.04522; 1000 Genomes Project 0.04952; gnomAD 0.05178 and 0.05280; ESP Exome Variant Server 0.05244; 1000 Genomes Project 30x 0.05247.
gnomAD v4.1: 68,207 of 1,613,934 alleles (4.2%); highest among the groups gnomAD compares: African/African-American, 8%; 1,614 homozygotes.

Submissions (3):

GeneDx
Classification: Benign. Last evaluated: 2019-08-22. Review status: criteria provided, single submitter. Criteria: GeneDx Variant Classification Process June 2021. Collection method: clinical testing. Allele origin: germline. Affected: yes.
Comment: This variant is associated with the following publications: (PMID: 30917570)

Breakthrough Genomics
Classification: Benign. Review status: criteria provided, single submitter. Criteria: ACMG Guidelines, 2015. Collection method: not provided. Allele origin: germline. Inheritance: Autosomal recessive inheritance. Affected: yes.

PreventionGenetics, part of Exact Sciences
Classification: Benign for DNMBP-related condition. Last evaluated: 2019-09-18. Review status: no assertion criteria provided. Collection method: clinical testing. Allele origin: germline. Not counted in ClinVar's aggregate classification.
Comment: This variant is classified as benign based on ACMG/AMP sequence variant interpretation guidelines (Richards et al. 2015 PMID: 25741868, with internal and published modifications).

NM_015221.4(DNMBP):c.1119C>G (p.Asn373Lys)

Genes: DNMBP (dynamin binding protein; minus strand), DNMBP-AS1 (DNMBP antisense RNA 1; plus strand). Cytogenetic location: 10q24.2.
Variant type: single nucleotide variant.
Coding change: c.1119C>G on transcript NM_015221.4 (MANE Select); coding-DNA position 1119, C replaced by G.
Protein change: p.Asn373Lys; replaces asparagine 373 with lysine.
Molecular consequence: missense variant.
Genome position (GRCh38, 1-based): chr10:99,956,355, G>C on the plus strand (C>G on the coding strand, the complement: DNMBP is on the minus strand). VCF-style: chr10-99956355-G-C. GRCh37 (hg19) VCF-style: chr10-101716112-G-C.
Other names: short protein forms N373K.
Identifiers: ClinVar variation 1265203 (VCV001265203.5), dbSNP rs35924554, ClinGen allele CA5645267.
Genomic context (GRCh38, chr10:99,956,355, plus strand): 5'-TTCCCACTCCACGCCTGGGCTTCTCGGGGGCCCTCCTGCGGTGTCCTCGTCCTGATAAGA[G>C]TTTCTGTCTGTGTCATACTCTGAAGTCAGATGACCGAGGGGAGAAGTGGGTGCTTCAGAA-3'
Protein context (NP_056036.1, residues 363-383): HLTSEYDTDR[Asn373Lys]SYQDEDTAGG